The following is an entry in ClinVar:

ClinVar aggregate classification (germline): Uncertain significance (1 of 4 stars; one submission).

Conditions:
Hereditary cancer-predisposing syndrome. Also called: Neoplastic Syndromes, Hereditary; Tumor predisposition; Hereditary neoplastic syndrome; Hereditary Cancer Syndrome. Identifiers: Orphanet 140162, MedGen C0027672, MeSH D009386, MONDO:0015356.

Submission:

Labcorp Genetics (formerly Invitae), Labcorp
Classification: Uncertain significance for Hereditary cancer-predisposing syndrome. Last evaluated: 2023-06-15. Review status: criteria provided, single submitter. Criteria: Invitae Variant Classification Sherloc (09022015). Collection method: clinical testing. Allele origin: germline.
Comment: In summary, the available evidence is currently insufficient to determine the role of this variant in disease. Therefore, it has been classified as a Variant of Uncertain Significance. Advanced modeling of protein sequence and biophysical properties (such as structural, functional, and spatial information, amino acid conservation, physicochemical variation, residue mobility, and thermodynamic stability) performed at Invitae indicates that this missense variant is not expected to disrupt RAD50 protein function. This variant has not been reported in the literature in individuals affected with RAD50-related conditions. This variant is not present in population databases (gnomAD no frequency). This sequence change replaces glutamic acid, which is acidic and polar, with glutamine, which is neutral and polar, at codon 362 of the RAD50 protein (p.Glu362Gln).

NM_005732.4(RAD50):c.1084G>C (p.Glu362Gln)

Gene: RAD50 (RAD50 double strand break repair protein; plus strand). Cytogenetic location: 5q31.1.
Variant type: single nucleotide variant.
Coding change: c.1084G>C on transcript NM_005732.4 (MANE Select); coding-DNA position 1084, G replaced by C.
Protein change: p.Glu362Gln; replaces glutamic acid 362 with glutamine.
Molecular consequence: missense variant.
Genome position (GRCh38, 1-based): chr5:132,588,719, G>C. VCF-style: chr5-132588719-G-C. GRCh37 (hg19) VCF-style: chr5-131924411-G-C.
Other names: short protein forms E362Q.
Identifiers: ClinVar variation 2715760 (VCV002715760.3), dbSNP rs2149841056, ClinGen allele CA360942182.
Genomic context (GRCh38, chr5:132,588,719, plus strand): 5'-AAAAATTATGAGATTTTTTTTTTAAAAGGTCGTCTACAGCTGCAAGCAGATCGCCATCAA[G>C]AACATATCCGAGCTAGAGATTCATTAATTCAGTCTTTGGCAACACAGCTAGAATTGGATG-3'
Protein context (NP_005723.2, residues 352-372): RLQLQADRHQ[Glu362Gln]HIRARDSLIQ